The following is an entry in ClinVar:

NM_001365276.2(TNXB):c.7280T>A (p.Leu2427Gln)

Gene: TNXB (tenascin XB; minus strand). Cytogenetic location: 6p21.33.
Variant type: single nucleotide variant.
Coding change: c.7280T>A on transcript NM_001365276.2 (MANE Select); coding-DNA position 7280, T replaced by A.
Protein change: p.Leu2427Gln; replaces leucine 2427 with glutamine.
Molecular consequence: missense variant.
Genome position (GRCh38, 1-based): chr6:32,061,609, A>T on the plus strand (T>A on the coding strand, the complement: TNXB is on the minus strand). VCF-style: chr6-32061609-A-T. GRCh37 (hg19) VCF-style: chr6-32029386-A-T.
Other names: c.8021T>A, p.Leu2674Gln (NM_001428335.1); c.7280T>A, p.Leu2427Gln (NM_019105.8); short protein forms L2427Q, L2674Q.
Identifiers: ClinVar variation 4826813 (VCV004826813.1).

ClinVar aggregate classification (germline): Uncertain significance (1 of 4 stars; one submission).

Conditions:
Cardiovascular phenotype. Identifiers: MedGen CN230736.

Submission:

Ambry Genetics
Classification: Uncertain significance for Cardiovascular phenotype. Last evaluated: 2026-03-12. Review status: criteria provided, single submitter. Criteria: Ambry Variant Classification Scheme 2023. Collection method: clinical testing. Allele origin: germline.
Comment: The p.L2427Q variant (also known as c.7280T>A), located in coding exon 20 of the TNXB gene, results from a T to A substitution at nucleotide position 7280. The leucine at codon 2427 is replaced by glutamine, an amino acid with dissimilar properties. This amino acid position is conserved. In addition, the in silico prediction for this alteration is inconclusive. Based on the available evidence, the clinical significance of this variant remains unclear.